The following is an entry in ClinVar:

NM_001042492.3(NF1):c.2255G>C (p.Arg752Thr)

Gene: NF1 (neurofibromin 1; plus strand). Cytogenetic location: 17q11.2.
Variant type: single nucleotide variant.
Coding change: c.2255G>C on transcript NM_001042492.3 (MANE Select); coding-DNA position 2255, G replaced by C.
Protein change: p.Arg752Thr; replaces arginine 752 with threonine.
Molecular consequence: missense variant.
Genome position (GRCh38, 1-based): chr17:31,227,221, G>C. VCF-style: chr17-31227221-G-C. GRCh37 (hg19) VCF-style: chr17-29554239-G-C.
Other names: c.2255G>C, p.Arg752Thr (NM_000267.4); short protein forms R752T.
Identifiers: ClinVar variation 1788511 (VCV001788511.2), dbSNP rs2151426839, ClinGen allele CA398982672.

ClinVar aggregate classification (germline): Uncertain significance (1 of 4 stars; one submission).

Conditions:
Hereditary cancer-predisposing syndrome. Also called: Hereditary Cancer Syndrome; Hereditary neoplastic syndrome; Tumor predisposition; Neoplastic Syndromes, Hereditary. Identifiers: Orphanet 140162, MedGen C0027672, MeSH D009386, MONDO:0015356.
Cardiovascular phenotype. Identifiers: MedGen CN230736.

Submission:

Ambry Genetics
Classification: Uncertain significance for Cardiovascular phenotype; Hereditary cancer-predisposing syndrome. Last evaluated: 2020-05-15. Review status: criteria provided, single submitter. Criteria: Ambry Variant Classification Scheme 2023. Collection method: clinical testing. Allele origin: germline.
Comment: The p.R752T variant (also known as c.2255G>C), located in coding exon 19 of the NF1 gene, results from a G to C substitution at nucleotide position 2255. The arginine at codon 752 is replaced by threonine, an amino acid with similar properties. This amino acid position is highly conserved in available vertebrate species. In addition, this alteration is predicted to be deleterious by in silico analysis. Since supporting evidence is limited at this time, the clinical significance of this alteration remains unclear.